The following is an entry in ClinVar:

NM_015021.3(ZNF292):c.3862dup (p.Ser1288fs)

Gene: ZNF292 (zinc finger protein 292; plus strand). Cytogenetic location: 6q14.3.
Variant type: Duplication.
Coding change: c.3862dup on transcript NM_015021.3 (MANE Select); coding-DNA position 3862, one base duplicated (T; older notation c.3862dupT).
Protein change: p.Ser1288fs; shifts the reading frame from serine 1288.
Molecular consequence: frameshift variant.
Genome position (GRCh38, 1-based): chr6:87,257,491, T duplicated; the last of 6 consecutive T bases (chr6:87,257,486-87,257,491); duplicating any one gives the same sequence. VCF-style (leftmost placement, unchanged base first): chr6-87257485-G-GT. GRCh37 (hg19) VCF-style: chr6-87967203-G-GT.
Other names: c.3442dup, p.Ser1148fs (NM_001351444.2); short protein forms S1148fs, S1288fs.
Identifiers: ClinVar variation 1320246 (VCV001320246.1), dbSNP rs2127864363, ClinGen allele CA645555921.

ClinVar aggregate classification (germline): Likely pathogenic (1 of 4 stars; one submission).

Conditions:
Intellectual developmental disorder, autosomal dominant 64. Also called: MENTAL RETARDATION, AUTOSOMAL DOMINANT 64. Identifiers: MedGen C5543067, MONDO:0030934, OMIM 619188.

Submission:

3billion
Classification: Likely pathogenic for Intellectual developmental disorder, autosomal dominant 64. Last evaluated: 2021-10-02. Review status: criteria provided, single submitter. Criteria: ACMG Guidelines, 2015. Collection method: clinical testing. Allele origin: unknown. Affected: yes. Observed: 1 heterozygote.
Comment: Frameshift: predicted to result in a loss or disruption of normal protein function through nonsense-mediated decay (NMD) or protein truncation. Multiple pathogenic variants are reported downstream of the variant (PVS1_VS). It is not observed in the gnomAD v2.1.1 dataset (PM2). Therefore, this variant is classified as likely pathogenic according to the recommendation of ACMG/AMP guideline.